The following is an entry in ClinVar:

ClinVar aggregate classification (germline): Uncertain significance. Review status: criteria provided, multiple submitters, no conflicts (2 of 4 stars). 2 submissions from 2 submitters: Uncertain significance (2). Last evaluated 2025-12-30.

Allele frequency attached by ClinVar (database versions not stated): gnomAD exomes 0.00001; ExAC 0.00002; gnomAD 0.00003; TOPMed 0.00008.
gnomAD v4.1: 25 of 1,613,154 alleles (0.0015%); highest among the groups gnomAD compares: African/African-American, 0.0053%; no homozygotes.

Submissions (2):

Labcorp Genetics (formerly Invitae), Labcorp
Classification: Uncertain significance. Last evaluated: 2025-12-30. Review status: criteria provided, single submitter. Criteria: Invitae Variant Classification Sherloc (09022015). Collection method: clinical testing. Allele origin: germline.
Comment: This sequence change replaces valine, which is neutral and non-polar, with isoleucine, which is neutral and non-polar, at codon 1181 of the ITSN2 protein (p.Val1181Ile). This variant is present in population databases (rs755203715, gnomAD 0.007%). This variant has not been reported in the literature in individuals affected with ITSN2-related conditions. ClinVar contains an entry for this variant (Variation ID: 2253408). Experimental studies and prediction algorithms are not available or were not evaluated, and the functional significance of this variant is currently unknown. In summary, the available evidence is currently insufficient to determine the role of this variant in disease. Therefore, it has been classified as a Variant of Uncertain Significance.

Ambry Genetics
Classification: Uncertain significance. Last evaluated: 2021-10-06. Review status: criteria provided, single submitter. Criteria: Ambry Variant Classification Scheme 2023. Collection method: clinical testing. Allele origin: germline.

NM_006277.3(ITSN2):c.3541G>A (p.Val1181Ile)

Gene: ITSN2 (intersectin 2; minus strand). Cytogenetic location: 2p23.3.
Variant type: single nucleotide variant.
Coding change: c.3541G>A on transcript NM_006277.3 (MANE Select); coding-DNA position 3541, G replaced by A.
Protein change: p.Val1181Ile; replaces valine 1181 with isoleucine.
Molecular consequence: missense variant.
Genome position (GRCh38, 1-based): chr2:24,246,165, C>T on the plus strand (G>A on the coding strand, the complement: ITSN2 is on the minus strand). VCF-style: chr2-24246165-C-T. GRCh37 (hg19) VCF-style: chr2-24469034-C-T.
Other names: c.3499G>A, p.Val1167Ile (NM_001348181.2); c.3421G>A, p.Val1141Ile (NM_001348182.2, NM_001348186.2); c.3460G>A, p.Val1154Ile (NM_001348183.2, NM_019595.4); c.3418G>A, p.Val1140Ile (NM_001348184.2); c.3502G>A, p.Val1168Ile (NM_001348185.2); c.3541G>A, p.Val1181Ile (NM_147152.3); short protein forms V1140I, V1167I, V1141I, V1168I, V1154I, V1181I.
Identifiers: ClinVar variation 2253408 (VCV002253408.3), dbSNP rs755203715, ClinGen allele CA1550896.